The following is an entry in ClinVar:

NM_006767.4(LZTR1):c.625G>A (p.Asp209Asn)

Gene: LZTR1 (leucine zipper like post translational regulator 1; plus strand). Cytogenetic location: 22q11.21.
Variant type: single nucleotide variant.
Coding change: c.625G>A on transcript NM_006767.4 (MANE Select); coding-DNA position 625, G replaced by A.
Protein change: p.Asp209Asn; replaces aspartic acid 209 with asparagine.
Molecular consequence: missense variant.
Genome position (GRCh38, 1-based): chr22:20,989,656, G>A. VCF-style: chr22-20989656-G-A. GRCh37 (hg19) VCF-style: chr22-21343945-G-A.
Other names: short protein forms D209N.
Identifiers: ClinVar variation 1895739 (VCV001895739.5), dbSNP rs2518614911, ClinGen allele CA410780339.

ClinVar aggregate classification (germline): Uncertain significance (1 of 4 stars; one submission).

Allele frequency attached by ClinVar (database versions not stated): gnomAD exomes below 0.00001.
gnomAD v4.1: 1 of 1,613,278 alleles (0.000062%); highest among the groups gnomAD compares: South Asian, 0.0011%; no homozygotes.

Submission:

Labcorp Genetics (formerly Invitae), Labcorp
Classification: Uncertain significance. Last evaluated: 2021-12-27. Review status: criteria provided, single submitter. Criteria: Invitae Variant Classification Sherloc (09022015). Collection method: clinical testing. Allele origin: germline.
Comment: This sequence change replaces aspartic acid, which is acidic and polar, with asparagine, which is neutral and polar, at codon 209 of the LZTR1 protein (p.Asp209Asn). This variant is not present in population databases (gnomAD no frequency). This variant has not been reported in the literature in individuals affected with LZTR1-related conditions. Algorithms developed to predict the effect of missense changes on protein structure and function (SIFT, PolyPhen-2, Align-GVGD) all suggest that this variant is likely to be tolerated. In summary, the available evidence is currently insufficient to determine the role of this variant in disease. Therefore, it has been classified as a Variant of Uncertain Significance.